The following is an entry in ClinVar:

ClinVar aggregate classification (germline): Benign/Likely benign. Review status: criteria provided, multiple submitters, no conflicts (2 of 4 stars). 3 submissions from 3 submitters: Benign (1); Likely benign (2). Last evaluated 2025-10-15.

Allele frequency attached by ClinVar (database versions not stated): ESP Exome Variant Server 0.00017; TOPMed 0.00049; 1000 Genomes Project 30x 0.00062; gnomAD exomes 0.00069 and 0.00178; 1000 Genomes Project 0.00080; gnomAD 0.00159 and 0.00163; ExAC 0.00188.
gnomAD v4.1: 1,243 of 1,613,150 alleles (0.077%); highest among the groups gnomAD compares: East Asian, 0.37%; 8 homozygotes.

Submissions (3):

Labcorp Genetics (formerly Invitae), Labcorp
Classification: Benign. Last evaluated: 2025-10-15. Review status: criteria provided, single submitter. Criteria: Invitae Variant Classification Sherloc (09022015). Collection method: clinical testing. Allele origin: germline.

Blueprint Genetics
Classification: Likely benign. Last evaluated: 2024-11-23. Review status: criteria provided, single submitter. Criteria: ACMG Guidelines, 2015. Collection method: clinical testing. Allele origin: germline.

GeneDx
Classification: Likely benign. Last evaluated: 2016-08-16. Review status: criteria provided, single submitter. Criteria: GeneDx Variant Classification (06012015). Collection method: clinical testing. Allele origin: germline. Affected: yes.
Comment: This variant is considered likely benign or benign based on one or more of the following criteria: it is a conservative change, it occurs at a poorly conserved position in the protein, it is predicted to be benign by multiple in silico algorithms, and/or has population frequency not consistent with disease.

NM_001098511.3(KIF2A):c.1701C>G (p.Gly567=)

Gene: KIF2A (kinesin family member 2A; plus strand). Cytogenetic location: 5q12.1.
Variant type: single nucleotide variant.
Coding change: c.1701C>G on transcript NM_001098511.3 (MANE Select); coding-DNA position 1701, C replaced by G.
Protein change: p.Gly567=; no amino-acid change (glycine 567 retained).
Molecular consequence: synonymous variant. On other transcripts: intron variant (3).
Genome position (GRCh38, 1-based): chr5:62,372,492, C>G. VCF-style: chr5-62372492-C-G. GRCh37 (hg19) VCF-style: chr5-61668319-C-G.
Other names: c.1566-1195C>G (NM_001243952.2); c.1647-1195C>G (NM_004520.5); c.1590-1195C>G (NM_001243953.2).
Identifiers: ClinVar variation 388501 (VCV000388501.12), dbSNP rs186954229, ClinGen allele CA3279025.
Genomic context (GRCh38, chr5:62,372,492, plus strand): 5'-CTGCAGAGTAAAGGAGTTTGGAATTAGTCCATCAGACATTCCCTTCTCACAGGGTAGTGG[C>G]AGTCGCCCTGATCTCTCTCCTTCTTATGAATATGACGACTTTTCTCCTTCAGTTACCAGG-3'
Protein context (NP_001091981.1, residues 557-577): PSDIPFSQGS[Gly567=]SRPDLSPSYE